The following is an entry in ClinVar:

NM_001352514.2(HLCS):c.513dup (p.Thr172fs)

Gene: HLCS (holocarboxylase synthetase; minus strand). Cytogenetic location: 21q22.13.
Variant type: Duplication.
Coding change: c.513dup on transcript NM_001352514.2 (MANE Select); coding-DNA position 513, one base duplicated (C; older notation c.513dupC).
Protein change: p.Thr172fs; shifts the reading frame from threonine 172.
Molecular consequence: frameshift variant. On other transcripts: non-coding transcript variant (2).
Genome position (GRCh38, 1-based): chr21:36,937,373, G duplicated on the plus strand (C on the coding strand, the reverse complement: HLCS is on the minus strand); the first of 2 consecutive G bases (chr21:36,937,373-36,937,374); duplicating either gives the same sequence. VCF-style (leftmost placement, unchanged base first): chr21-36937372-T-TG. GRCh37 (hg19) VCF-style: chr21-38309672-T-TG.
Other names: c.72dup, p.Thr25fs (NM_000411.8, NM_001242784.3, NM_001242785.2 and 4 more transcripts); short protein forms T172fs, T25fs.
Identifiers: ClinVar variation 2676011 (VCV002676011.4), dbSNP rs2517583431, ClinGen allele CA2654439012.

ClinVar aggregate classification (germline): Pathogenic/Likely pathogenic. Review status: criteria provided, multiple submitters, no conflicts (2 of 4 stars). 2 submissions from 2 submitters: Pathogenic (1); Likely pathogenic (1). Last evaluated 2023-07-01.

Conditions:
Holocarboxylase synthetase deficiency. Also called: MULTIPLE CARBOXYLASE DEFICIENCY, EARLY ONSET. Identifiers: Orphanet 79242, MedGen C0268581, MONDO:0009666, OMIM 253270.

Submissions (2):

Baylor Genetics
Classification: Likely pathogenic for Holocarboxylase synthetase deficiency. Last evaluated: 2023-07-01. Review status: criteria provided, single submitter. Criteria: ACMG Guidelines, 2015. Collection method: clinical testing. Allele origin: unknown.

Labcorp Genetics (formerly Invitae), Labcorp
Classification: Pathogenic for Holocarboxylase synthetase deficiency. Last evaluated: 2023-02-16. Review status: criteria provided, single submitter. Criteria: Invitae Variant Classification Sherloc (09022015). Collection method: clinical testing. Allele origin: germline.
Comment: This sequence change creates a premature translational stop signal (p.Thr25Hisfs*6) in the HLCS gene. It is expected to result in an absent or disrupted protein product. Loss-of-function variants in HLCS are known to be pathogenic (PMID: 16134170). This variant is not present in population databases (gnomAD no frequency). This variant has not been reported in the literature in individuals affected with HLCS-related conditions. For these reasons, this variant has been classified as Pathogenic.

Literature cited by the submitters: PubMed 16134170 (cited by Labcorp Genetics (formerly Invitae), Labcorp).